The following is an entry in ClinVar:

NM_000083.3(CLCN1):c.502C>G (p.Pro168Ala)

Gene: CLCN1 (chloride voltage-gated channel 1; plus strand). Cytogenetic location: 7q34.
Variant type: single nucleotide variant.
Coding change: c.502C>G on transcript NM_000083.3 (MANE Select); coding-DNA position 502, C replaced by G.
Protein change: p.Pro168Ala; replaces proline 168 with alanine.
Molecular consequence: missense variant. On other transcripts: non-coding transcript variant (1).
Genome position (GRCh38, 1-based): chr7:143,321,433, C>G. VCF-style: chr7-143321433-C-G. GRCh37 (hg19) VCF-style: chr7-143018526-C-G.
Other names: short protein forms P168A.
Identifiers: ClinVar variation 3068602 (VCV003068602.1), dbSNP rs2487032127, ClinGen allele CA369683730.

ClinVar aggregate classification (germline): Uncertain significance (1 of 4 stars; one submission).

Conditions:
Congenital myotonia, autosomal recessive form. Also called: BECKER DISEASE; myotonia congenita, autosomal recessive; Becker Generalized Myotonia. Identifiers: Orphanet 614, MedGen C0751360, MONDO:0009715, OMIM 255700.

Submission:

Molecular Genetics, Royal Melbourne Hospital
Classification: Uncertain significance for Congenital myotonia, autosomal recessive form. Last evaluated: 2024-03-01. Review status: criteria provided, single submitter. Criteria: ACMG Guidelines, 2015. Collection method: clinical testing. Allele origin: germline. Inheritance: Autosomal recessive inheritance. Affected: yes.
Comment: This sequence change in CLCN1 is predicted to replace proline with alanine at codon 168, p.(Pro168Ala). The proline residue is highly conserved (100 vertebrates, Multiz Alignments), and is located in the transmembrane alpha-helix C domain (PMID: 23739125, 34529042). There is a small physicochemical difference between proline and alanine. This variant is absent from the population database gnomAD v4.0. To our knowledge, this variant is novel and has not been previously reported in the relevant scientific literature or databases. Computational evidence predicts a deleterious effect for the missense substitution (REVEL = 0.69). Based on the classification scheme RMH Modified ACMG/AMP Guidelines v1.6.1, this variant is classified as a VARIANT OF UNCERTAIN SIGNIFICANCE. Following criteria are met: PM3, PM2_Supporting, PP3.

Literature cited by the submitters: PubMed 23739125; PubMed 34529042.